The following is an entry in ClinVar:

ClinVar aggregate classification (germline): Uncertain significance. Review status: criteria provided, multiple submitters, no conflicts (2 of 4 stars). 2 submissions from 2 submitters: Uncertain significance (2). Last evaluated 2025-12-01.

Submissions (2):

CeGaT Center for Human Genetics Tuebingen
Classification: Uncertain significance. Last evaluated: 2025-12-01. Review status: criteria provided, single submitter. Criteria: CeGaT Center For Human Genetics Tuebingen Variant Classification Criteria Version 2. Collection method: clinical testing. Allele origin: germline. Affected: yes. Observed: 1 variant allele.
Comment: CENPE: PM2, BP4

Ambry Genetics
Classification: Uncertain significance. Last evaluated: 2025-08-28. Review status: criteria provided, single submitter. Criteria: Ambry Variant Classification Scheme 2023. Collection method: clinical testing. Allele origin: germline.

NM_001813.3(CENPE):c.5878G>T (p.Asp1960Tyr)

Gene: CENPE (centromere protein E; minus strand). Cytogenetic location: 4q24.
Variant type: single nucleotide variant.
Coding change: c.5878G>T on transcript NM_001813.3 (MANE Select); coding-DNA position 5878, G replaced by T.
Protein change: p.Asp1960Tyr; replaces aspartic acid 1960 with tyrosine.
Molecular consequence: missense variant.
Genome position (GRCh38, 1-based): chr4:103,140,291, C>A on the plus strand (G>T on the coding strand, the complement: CENPE is on the minus strand). VCF-style: chr4-103140291-C-A. GRCh37 (hg19) VCF-style: chr4-104061448-C-A.
Other names: c.5803G>T, p.Asp1935Tyr (NM_001286734.2); short protein forms D1960Y, D1935Y.
Identifiers: ClinVar variation 4225578 (VCV004225578.7).